The following is an entry in ClinVar:

ClinVar aggregate classification (germline): Uncertain significance (1 of 4 stars; one submission).

Conditions:
Gastrointestinal stromal tumor. Also called: Gastrointestinal stromal tumor, somatic; Gastrointestinal stroma tumor. Identifiers: Orphanet 44890, MedGen C0238198, MeSH D046152, MONDO:0011719, OMIM 606764, HP:0100723.
Pheochromocytoma/paraganglioma syndrome 3. Also called: SDHC-Related Hereditary Paraganglioma-Pheochromocytoma Syndrome (Paragangliomas 3); SDHC-Related Hereditary Paraganglioma-Pheochromocytoma Syndrome; Paragangliomas 3; GLOMUS TUMORS, FAMILIAL, 3. Identifiers: Orphanet 29072, MedGen C1854336, MONDO:0011544, OMIM 605373.

Allele frequency attached by ClinVar (database versions not stated): gnomAD exomes below 0.00001.
gnomAD v4.1: 1 of 1,613,364 alleles (0.000062%); highest among the groups gnomAD compares: East Asian, 0.0022%; no homozygotes.

Submission:

Labcorp Genetics (formerly Invitae), Labcorp
Classification: Uncertain significance for Paragangliomas 3; Gastrointestinal stroma tumor. Last evaluated: 2018-03-27. Review status: criteria provided, single submitter. Criteria: Invitae Variant Classification Sherloc (09022015). Collection method: clinical testing. Allele origin: germline.
Comment: This sequence change replaces alanine with aspartic acid at codon 16 of the SDHC protein (p.Ala16Asp). The alanine residue is weakly conserved and there is a moderate physicochemical difference between alanine and aspartic acid. This variant is not present in population databases (ExAC no frequency). This variant has not been reported in the literature in individuals with SDHC-related disease. Algorithms developed to predict the effect of missense changes on protein structure and function (SIFT, PolyPhen-2, Align-GVGD) all suggest that this variant is likely to be tolerated, but these predictions have not been confirmed by published functional studies and their clinical significance is uncertain. In summary, the available evidence is currently insufficient to determine the role of this variant in disease. Therefore, it has been classified as a Variant of Uncertain Significance.

NM_003001.5(SDHC):c.47C>A (p.Ala16Asp)

Gene: SDHC (succinate dehydrogenase complex subunit C; plus strand). Cytogenetic location: 1q23.3.
Variant type: single nucleotide variant.
Coding change: c.47C>A on transcript NM_003001.5 (MANE Select); coding-DNA position 47, C replaced by A.
Protein change: p.Ala16Asp; replaces alanine 16 with aspartic acid.
Molecular consequence: missense variant. On other transcripts: 5 prime UTR variant (2), non-coding transcript variant (1), intron variant (4).
Genome position (GRCh38, 1-based): chr1:161,323,640, C>A. VCF-style: chr1-161323640-C-A. GRCh37 (hg19) VCF-style: chr1-161293430-C-A.
Other names: c.47C>A, p.Ala16Asp (NM_001035511.3, NM_001035512.3, NM_001278172.3 and 2 more transcripts); c.-65C>A (NM_001407119.1); c.-183C>A (NM_001407120.1); c.21-4756C>A (NM_001407116.1, NM_001407121.1, NM_001407117.1); c.20+9215C>A (NM_001035513.3); short protein forms A16D.
Identifiers: ClinVar variation 575247 (VCV000575247.2), dbSNP rs1558164567, ClinGen allele CA343359442.
Genomic context (GRCh38, chr1:161,323,640, plus strand): 5'-ATGTGTATTGATTTTTGATTCTCTTATCTTGCAGACACGTTGGTCGTCATTGCCTCCGAG[C>A]CCACTTTAGCCCTCAGCTCTGTATCAGAAAGTAAGTTTCTAAGTCTGGAGATTATTTATT-3'
Protein context (NP_002992.1, residues 6-26): LRHVGRHCLR[Ala16Asp]HFSPQLCIRN